The following is an entry in ClinVar:

ClinVar aggregate classification (germline): Uncertain significance (1 of 4 stars; one submission).

Conditions:
Familial sleep-related hypermotor epilepsy. Also called: Autosomal Dominant Sleep-Related Hypermotor (Hyperkinetic) Epilepsy. Identifiers: Orphanet 98784, MedGen C3696898, MONDO:0000030.

Allele frequency attached by ClinVar (database versions not stated): ExAC 0.00002; gnomAD exomes 0.00002.
gnomAD v4.1: 9 of 1,613,660 alleles (0.00056%); highest among the groups gnomAD compares: Admixed American, 0.0033%; no homozygotes.

Submission:

Labcorp Genetics (formerly Invitae), Labcorp
Classification: Uncertain significance. Last evaluated: 2020-11-20. Review status: criteria provided, single submitter. Criteria: Invitae Variant Classification Sherloc (09022015). Collection method: clinical testing. Allele origin: germline.
Comment: This sequence change replaces isoleucine with valine at codon 251 of the CHRNA4 protein (p.Ile251Val). The isoleucine residue is highly conserved and there is a small physicochemical difference between isoleucine and valine. This variant is present in population databases (rs776882201, ExAC 0.005%). This variant has not been reported in the literature in individuals with CHRNA4-related conditions. Algorithms developed to predict the effect of missense changes on protein structure and function (SIFT, PolyPhen-2, Align-GVGD) all suggest that this variant is likely to be tolerated, but these predictions have not been confirmed by published functional studies and their clinical significance is uncertain. In summary, the available evidence is currently insufficient to determine the role of this variant in disease. Therefore, it has been classified as a Variant of Uncertain Significance.

NM_000744.7(CHRNA4):c.751A>G (p.Ile251Val)

Gene: CHRNA4 (cholinergic receptor nicotinic alpha 4 subunit; minus strand). Cytogenetic location: 20q13.33.
Variant type: single nucleotide variant.
Coding change: c.751A>G on transcript NM_000744.7 (MANE Select); coding-DNA position 751, A replaced by G.
Protein change: p.Ile251Val; replaces isoleucine 251 with valine.
Molecular consequence: missense variant. On other transcripts: non-coding transcript variant (1).
Genome position (GRCh38, 1-based): chr20:63,350,660, T>C on the plus strand (A>G on the coding strand, the complement: CHRNA4 is on the minus strand). VCF-style: chr20-63350660-T-C. GRCh37 (hg19) VCF-style: chr20-61982012-T-C.
Other names: c.223A>G, p.Ile75Val (NM_001256573.2); short protein forms I251V, I75V.
Identifiers: ClinVar variation 1349519 (VCV001349519.8), dbSNP rs776882201, ClinGen allele CA9957733.